The following is an entry in ClinVar:

ClinVar aggregate classification (germline): Uncertain significance. Review status: no assertion criteria provided (0 of 4 stars). 2 submissions from 2 submitters: Uncertain significance (1). 1 of the submissions does not count toward it. Last evaluated 2012-07-01.

Conditions:
Variant of unknown significance. Identifiers: MedGen C2986382.

Submissions (2):

OMIM
Classification: Uncertain significance for VARIANT OF UNKNOWN SIGNIFICANCE. Last evaluated: 2012-07-01. Review status: no assertion criteria provided. Collection method: literature only. Allele origin: germline.

UniProtKB/Swiss-Prot
No classification provided. Review status: no classification provided. Collection method: not provided. Allele origin: not provided. Not counted in ClinVar's aggregate classification.
Comment: found in patients with atypical hemolytic uremic syndrome

Literature cited by the submitters: PubMed 22622361 (cited by OMIM).

NM_030787.4(CFHR5):c.314T>G (p.Leu105Arg)

Gene: CFHR5 (complement factor H related 5; plus strand). Cytogenetic location: 1q31.3.
Variant type: single nucleotide variant.
Coding change: c.314T>G on transcript NM_030787.4 (MANE Select); coding-DNA position 314, T replaced by G.
Protein change: p.Leu105Arg; replaces leucine 105 with arginine.
Molecular consequence: missense variant.
Genome position (GRCh38, 1-based): chr1:196,984,021, T>G. VCF-style: chr1-196984021-T-G. GRCh37 (hg19) VCF-style: chr1-196953151-T-G.
Other names: short protein forms L105R.
Identifiers: ClinVar variation 37239 (VCV000037239.1), dbSNP rs318240754, ClinGen allele CA130119.